The following is an entry in ClinVar:

ClinVar aggregate classification (germline): Uncertain significance (1 of 4 stars; one submission).

Conditions:
Neuropathy, hereditary sensory, type 1F. Also called: Hereditary sensory neuropathy type IF; HSN IF. Identifiers: OMIM 615632, Orphanet 36386, MedGen C3810194, MONDO:0014286.

gnomAD v4.1: 3 of 1,612,716 alleles (0.00019%); highest among the groups gnomAD compares: Admixed American, 0.005%; no homozygotes.

Submission:

Labcorp Genetics (formerly Invitae), Labcorp
Classification: Uncertain significance for Neuropathy, hereditary sensory, type 1F. Last evaluated: 2024-02-16. Review status: criteria provided, single submitter. Criteria: Invitae Variant Classification Sherloc (09022015). Collection method: clinical testing. Allele origin: germline.
Comment: This sequence change replaces isoleucine, which is neutral and non-polar, with phenylalanine, which is neutral and non-polar, at codon 382 of the ATL3 protein (p.Ile382Phe). This variant is present in population databases (rs751086084, gnomAD 0.006%). This variant has not been reported in the literature in individuals affected with ATL3-related conditions. Advanced modeling of protein sequence and biophysical properties (such as structural, functional, and spatial information, amino acid conservation, physicochemical variation, residue mobility, and thermodynamic stability) performed at Invitae indicates that this missense variant is not expected to disrupt ATL3 protein function with a negative predictive value of 80%. In summary, the available evidence is currently insufficient to determine the role of this variant in disease. Therefore, it has been classified as a Variant of Uncertain Significance.

NM_015459.5(ATL3):c.1144A>T (p.Ile382Phe)

Genes: ATL3 (atlastin GTPase 3; minus strand), LNCROPM (lncRNA regulator of PLAAT3 mediated phospholipid metabolism; plus strand), LOC126861231 (CDK7 strongly-dependent group 2 enhancer GRCh37_chr11:63398741-63399940; plus strand). Cytogenetic location: 11q13.1.
Variant type: single nucleotide variant.
Coding change: c.1144A>T on transcript NM_015459.5 (MANE Select); coding-DNA position 1144, A replaced by T.
Protein change: p.Ile382Phe; replaces isoleucine 382 with phenylalanine.
Molecular consequence: missense variant.
Genome position (GRCh38, 1-based): chr11:63,631,435, T>A on the plus strand (A>T on the coding strand, the complement: ATL3 is on the minus strand). VCF-style: chr11-63631435-T-A. GRCh37 (hg19) VCF-style: chr11-63398907-T-A.
Other names: c.1090A>T, p.Ile364Phe (NM_001290048.2); short protein forms I364F, I382F.
Identifiers: ClinVar variation 3620543 (VCV003620543.2).